The following is an entry in ClinVar:

ClinVar aggregate classification (germline): Conflicting classifications of pathogenicity. Review status: criteria provided, conflicting classifications (1 of 4 stars). 4 submissions from 4 submitters: Pathogenic (1); Likely pathogenic (2); Uncertain significance (1). Last evaluated 2023-09-07.

Conditions:
Leukodystrophy. Identifiers: Orphanet 68356, MedGen C0023520, MONDO:0019046, HP:0002415.

gnomAD v4.1: 3 of 1,588,594 alleles (0.00019%); highest among the groups gnomAD compares: East Asian, 0.0022%; no homozygotes.

Submissions (4):

GeneDx
Classification: Likely pathogenic. Last evaluated: 2023-09-07. Review status: criteria provided, single submitter. Criteria: GeneDx Variant Classification Process June 2021. Collection method: clinical testing. Allele origin: germline. Affected: yes.
Comment: Canonical splice site variant predicted to result in an in-frame loss of the adjacent exon in a gene for which loss of function is a known mechanism of disease; Not observed at significant frequency in large population cohorts (gnomAD); Has not been previously published as pathogenic or benign to our knowledge; This variant is associated with the following publications: (PMID: 27535533)

Labcorp Genetics (formerly Invitae), Labcorp
Classification: Likely pathogenic. Last evaluated: 2023-08-28. Review status: criteria provided, single submitter. Criteria: Invitae Variant Classification Sherloc (09022015). Collection method: clinical testing. Allele origin: germline.
Comment: In summary, the currently available evidence indicates that the variant is pathogenic, but additional data are needed to prove that conclusively. Therefore, this variant has been classified as Likely Pathogenic. Algorithms developed to predict the effect of sequence changes on RNA splicing suggest that this variant may disrupt the consensus splice site. ClinVar contains an entry for this variant (Variation ID: 1323486). Disruption of this splice site has been observed in individual(s) with POLR3-related leukodystrophy (PMID: 25339210). This variant is present in population databases (rs201733323, gnomAD 0.006%). This sequence change affects a donor splice site in intron 22 of the POLR3A gene. It is expected to disrupt RNA splicing. Variants that disrupt the donor or acceptor splice site typically lead to a loss of protein function (PMID: 16199547), and loss-of-function variants in POLR3A are known to be pathogenic (PMID: 21855841, 25339210, 27612211, 30414627, 30450527).

Broad Center for Mendelian Genomics, Broad Institute of MIT and Harvard
Classification: Uncertain significance for Leukodystrophy. Last evaluated: 2023-01-24. Review status: criteria provided, single submitter. Criteria: ACMG Guidelines, 2015. Collection method: curation. Allele origin: germline. Inheritance: Autosomal recessive inheritance.
Comment: The c.2988+1G>A variant in POLR3A has not been previously reported in the literature in individuals with hypomyelinating leukodystrophy, but has been identified in 0.005% (1/18392) of East Asian chromosomes by the Genome Aggregation Database (gnomAD; dbSNP ID: rs201733323). Although this variant has been seen in the general population in a heterozygous state, its frequency is low enough to be consistent with a recessive carrier frequency. This variant has also been reported in ClinVar (Variation ID#: 1323486) and has been interpreted as pathogenic by PerkinElmer Genomics. This variant is located in the 3' splice region. Computational tools predict a splicing impact, though this information is not predictive enough to determine pathogenicity. This variant is adjacent to an in-frame exon and is more likely to escape nonsense mediated decay (NMD) and result in a truncated protein. In summary, while there is some suspicion for a pathogenic role, the clinical significance of this variant is uncertain. ACMG/AMP Criteria applied: PVS1_moderate, PM2_supporting (Richards 2015).

Revvity Omics, Revvity
Classification: Pathogenic. Last evaluated: 2019-03-06. Review status: criteria provided, single submitter. Criteria: ACMG Guidelines, 2015. Collection method: clinical testing. Allele origin: germline.

Literature cited by the submitters: PubMed 25339210 (cited by Labcorp Genetics (formerly Invitae), Labcorp); PubMed 16199547 (cited by Labcorp Genetics (formerly Invitae), Labcorp); PubMed 21855841 (cited by Labcorp Genetics (formerly Invitae), Labcorp); PubMed 27612211 (cited by Labcorp Genetics (formerly Invitae), Labcorp); PubMed 30414627 (cited by Labcorp Genetics (formerly Invitae), Labcorp); PubMed 30450527 (cited by Labcorp Genetics (formerly Invitae), Labcorp).

NM_007055.4(POLR3A):c.2988+1G>A

Gene: POLR3A (RNA polymerase III subunit A; minus strand). Cytogenetic location: 10q22.3.
Variant type: single nucleotide variant.
Coding change: c.2988+1G>A on transcript NM_007055.4 (MANE Select); the canonical splice donor site of the intron after coding-DNA position 2988, G replaced by A.
Molecular consequence: splice donor variant.
Genome position (GRCh38, 1-based): chr10:77,986,072, C>T on the plus strand (G>A on the coding strand, the complement: POLR3A is on the minus strand). VCF-style: chr10-77986072-C-T. GRCh37 (hg19) VCF-style: chr10-79745830-C-T.
Identifiers: ClinVar variation 1323486 (VCV001323486.9), dbSNP rs201733323, ClinGen allele CA5570969.